The following is an entry in ClinVar:

NM_012469.4(PRPF6):c.2674-3C>G

Gene: PRPF6 (pre-mRNA processing factor 6; plus strand). Cytogenetic location: 20q13.33.
Variant type: single nucleotide variant.
Coding change: c.2674-3C>G on transcript NM_012469.4 (MANE Select); 3 bases into the intron before coding-DNA position 2674, C replaced by G.
Molecular consequence: intron variant.
Genome position (GRCh38, 1-based): chr20:64,032,838, C>G. VCF-style: chr20-64032838-C-G. GRCh37 (hg19) VCF-style: chr20-62664191-C-G.
Identifiers: ClinVar variation 971180 (VCV000971180.10), dbSNP rs765293042, ClinGen allele CA9972577.

ClinVar aggregate classification (germline): Uncertain significance (1 of 4 stars; one submission).

Allele frequency attached by ClinVar (database versions not stated): gnomAD exomes below 0.00001; ExAC 0.00001.
gnomAD v4.1: 2 of 1,606,082 alleles (0.00012%); highest among the groups gnomAD compares: South Asian, 0.0011%; no homozygotes.

Submission:

Labcorp Genetics (formerly Invitae), Labcorp
Classification: Uncertain significance. Last evaluated: 2022-07-25. Review status: criteria provided, single submitter. Criteria: Invitae Variant Classification Sherloc (09022015). Collection method: clinical testing. Allele origin: germline.
Comment: This sequence change falls in intron 20 of the PRPF6 gene. It does not directly change the encoded amino acid sequence of the PRPF6 protein. It affects a nucleotide within the consensus splice site. In summary, the available evidence is currently insufficient to determine the role of this variant in disease. Therefore, it has been classified as a Variant of Uncertain Significance. Variants that disrupt the consensus splice site are a relatively common cause of aberrant splicing (PMID: 17576681, 9536098). Algorithms developed to predict the effect of sequence changes on RNA splicing suggest that this variant may create or strengthen a splice site. ClinVar contains an entry for this variant (Variation ID: 971180). This variant has not been reported in the literature in individuals affected with PRPF6-related conditions. This variant is present in population databases (rs765293042, gnomAD 0.003%).

Literature cited by the submitters: PubMed 17576681; PubMed 9536098.